The following is an entry in ClinVar:

NM_000138.5(FBN1):c.6698C>A (p.Pro2233His)

Gene: FBN1 (fibrillin 1; minus strand). Cytogenetic location: 15q21.1.
Variant type: single nucleotide variant.
Coding change: c.6698C>A on transcript NM_000138.5 (MANE Select); coding-DNA position 6698, C replaced by A.
Protein change: p.Pro2233His; replaces proline 2233 with histidine.
Molecular consequence: missense variant.
Genome position (GRCh38, 1-based): chr15:48,432,907, G>T on the plus strand (C>A on the coding strand, the complement: FBN1 is on the minus strand). VCF-style: chr15-48432907-G-T. GRCh37 (hg19) VCF-style: chr15-48725104-G-T.
Other names: short protein forms P2233H.
Identifiers: ClinVar variation 1482018 (VCV001482018.9), dbSNP rs1566894783, ClinGen allele CA392333371.

ClinVar aggregate classification (germline): Conflicting classifications of pathogenicity. Review status: criteria provided, conflicting classifications (1 of 4 stars). 2 submissions from 2 submitters: Likely pathogenic (1); Uncertain significance (1). Last evaluated 2021-06-11.

Conditions:
Marfan syndrome (MFS). Also called: MARFAN SYNDROME, TYPE I; Marfan syndrome type 1; Marfan's syndrome; Marfan syndrome, classic; FBN1-Related Marfan Syndrome. Identifiers: Orphanet 284963, Orphanet 558, MedGen C0024796, MONDO:0007947, OMIM 154700.
Familial thoracic aortic aneurysm and aortic dissection (TAAD). Also called: Thoracic aortic aneurysms and dissections. Identifiers: Orphanet 91387, MedGen C4707243, MONDO:0019625.

Submissions (2):

Blueprint Genetics
Classification: Uncertain significance. Last evaluated: 2021-06-11. Review status: criteria provided, single submitter. Criteria: ACMG Guidelines, 2015. Collection method: clinical testing. Allele origin: germline.

Labcorp Genetics (formerly Invitae), Labcorp
Classification: Likely pathogenic for Marfan syndrome; Familial thoracic aortic aneurysm and aortic dissection. Last evaluated: 2021-05-06. Review status: criteria provided, single submitter. Criteria: Invitae Variant Classification Sherloc (09022015). Collection method: clinical testing. Allele origin: germline.
Comment: This variant is not present in population databases (ExAC no frequency). In summary, the currently available evidence indicates that the variant is pathogenic, but additional data are needed to prove that conclusively. Therefore, this variant has been classified as Likely Pathogenic. This variant disrupts the p.Pro2233 amino acid residue in FBN1. Other variant(s) that disrupt this residue have been observed in individuals with FBN1-related conditions (PMID: 24199744, Invitae), which suggests that this may be a clinically significant amino acid residue Advanced modeling of protein sequence and biophysical properties (such as structural, functional, and spatial information, amino acid conservation, physicochemical variation, residue mobility, and thermodynamic stability) performed at Invitae indicates that this missense variant is expected to disrupt FBN1 protein function. This variant has been observed in individual(s) with clinical features of Marfan syndrome (Invitae). This sequence change replaces proline with histidine at codon 2233 of the FBN1 protein (p.Pro2233His). The proline residue is highly conserved and there is a moderate physicochemical difference between proline and histidine.

Literature cited by the submitters: PubMed 24199744 (cited by Labcorp Genetics (formerly Invitae), Labcorp).